The following is an entry in ClinVar:

NM_000431.4(MVK):c.659A>C (p.Lys220Thr)

Gene: MVK (mevalonate kinase; plus strand). Cytogenetic location: 12q24.11.
Variant type: single nucleotide variant.
Coding change: c.659A>C on transcript NM_000431.4 (MANE Select); coding-DNA position 659, A replaced by C.
Protein change: p.Lys220Thr; replaces lysine 220 with threonine.
Molecular consequence: missense variant. On other transcripts: non-coding transcript variant (4).
Genome position (GRCh38, 1-based): chr12:109,586,781, A>C. VCF-style: chr12-109586781-A-C. GRCh37 (hg19) VCF-style: chr12-110024586-A-C.
Other names: c.659A>C, p.Lys220Thr (NM_001114185.3, NM_001414511.1, NM_001414512.1 and 1 more transcripts); c.503A>C, p.Lys168Thr (NM_001301182.2, NM_001414514.1); c.77A>C, p.Lys26Thr (NM_001414515.1); short protein forms K220T, K26T, K168T.
Identifiers: ClinVar variation 2953988 (VCV002953988.3), dbSNP rs2548631888, ClinGen allele CA386648293.

ClinVar aggregate classification (germline): Uncertain significance (1 of 4 stars; one submission).

Conditions:
Mevalonic aciduria (MEVA). Identifiers: Orphanet 29, MedGen C1959626, MONDO:0012481, OMIM 610377.
Porokeratosis 3, disseminated superficial actinic type (POROK3). Also called: POROKERATOSIS, DISSEMINATED SUPERFICIAL ACTINIC, 1; POROKERATOSIS 3, MULTIPLE TYPES; POROKERATOSIS 3, MIBELLI TYPE. Identifiers: MedGen C1867981, MONDO:0008293, OMIM 175900.
Hyperimmunoglobulin D with periodic fever (HIDS). Also called: Hyperimmunoglobulinemia D; HYPERIMMUNOGLOBULINEMIA D AND PERIODIC FEVER SYNDROME; Hyperimmunoglobulinemia D with periodic fever. Identifiers: Orphanet 343, MedGen C0398691, MONDO:0009849, OMIM 260920.

Submission:

Labcorp Genetics (formerly Invitae), Labcorp
Classification: Uncertain significance for Mevalonic aciduria; Hyperimmunoglobulin D with periodic fever; Porokeratosis 3, disseminated superficial actinic type. Last evaluated: 2024-09-04. Review status: criteria provided, single submitter. Criteria: Invitae Variant Classification Sherloc (09022015). Collection method: clinical testing. Allele origin: germline.
Comment: This sequence change replaces lysine, which is basic and polar, with threonine, which is neutral and polar, at codon 220 of the MVK protein (p.Lys220Thr). This variant is not present in population databases (gnomAD no frequency). This variant has not been reported in the literature in individuals affected with MVK-related conditions. Invitae Evidence Modeling of protein sequence and biophysical properties (such as structural, functional, and spatial information, amino acid conservation, physicochemical variation, residue mobility, and thermodynamic stability) indicates that this missense variant is not expected to disrupt MVK protein function with a negative predictive value of 80%. In summary, the available evidence is currently insufficient to determine the role of this variant in disease. Therefore, it has been classified as a Variant of Uncertain Significance.